The following is an entry in ClinVar:

NM_001369268.1(ACAN):c.6917dup (p.Gly2307fs)

Gene: ACAN (aggrecan; plus strand). Cytogenetic location: 15q26.1.
Variant type: Duplication.
Coding change: c.6917dup on transcript NM_001369268.1 (MANE Select); coding-DNA position 6917, one base duplicated (C; older notation c.6917dupC).
Protein change: p.Gly2307fs; shifts the reading frame from glycine 2307.
Molecular consequence: frameshift variant. On other transcripts: intron variant (3).
Genome position (GRCh38, 1-based): chr15:88,860,410, C duplicated; the last of 6 consecutive C bases (chr15:88,860,405-88,860,410); duplicating any one gives the same sequence. VCF-style (leftmost placement, unchanged base first): chr15-88860404-G-GC. GRCh37 (hg19) VCF-style: chr15-89403635-G-GC.
Other names: c.6917dup, p.Gly2307fs (NM_013227.4); c.6832+993dup (NM_001411097.1, NM_001411096.1, NM_001135.4); short protein forms G2307fs.
Identifiers: ClinVar variation 2779016 (VCV002779016.3), dbSNP rs777726601, ClinGen allele CA2630219983.

ClinVar aggregate classification (germline): Pathogenic (1 of 4 stars; one submission).

Submission:

Labcorp Genetics (formerly Invitae), Labcorp
Classification: Pathogenic. Last evaluated: 2023-07-20. Review status: criteria provided, single submitter. Criteria: Invitae Variant Classification Sherloc (09022015). Collection method: clinical testing. Allele origin: germline.
Comment: For these reasons, this variant has been classified as Pathogenic. This variant has not been reported in the literature in individuals affected with ACAN-related conditions. This variant is not present in population databases (gnomAD no frequency). This sequence change creates a premature translational stop signal (p.Gly2307Trpfs*8) in the ACAN gene. It is expected to result in an absent or disrupted protein product. Loss-of-function variants in ACAN are known to be pathogenic (PMID: 16080123, 24762113).

Literature cited by the submitters: PubMed 16080123; PubMed 24762113.